The following is an entry in ClinVar:

ClinVar aggregate classification (germline): Uncertain significance. Review status: criteria provided, multiple submitters, no conflicts (2 of 4 stars). 2 submissions from 2 submitters: Uncertain significance (2). Last evaluated 2022-07-05.

Conditions:
Developmental and epileptic encephalopathy 94 (DEE94). Also called: CHD2-Related Neurodevelopmental Disorders; Epileptic encephalopathy, childhood-onset. Identifiers: Orphanet 1942, Orphanet 2382, MedGen C3809278, MONDO:0014150, OMIM 615369.

Allele frequency attached by ClinVar (database versions not stated): gnomAD exomes below 0.00001.
gnomAD v4.1: 1 of 1,614,126 alleles (0.000062%); highest among the groups gnomAD compares: African/African-American, 0.0013%; no homozygotes.

Submissions (2):

Labcorp Genetics (formerly Invitae), Labcorp
Classification: Uncertain significance for Developmental and epileptic encephalopathy 94. Last evaluated: 2022-07-05. Review status: criteria provided, single submitter. Criteria: Invitae Variant Classification Sherloc (09022015). Collection method: clinical testing. Allele origin: germline.
Comment: This sequence change replaces histidine, which is basic and polar, with aspartic acid, which is acidic and polar, at codon 1525 of the CHD2 protein (p.His1525Asp). This variant is not present in population databases (gnomAD no frequency). This variant has not been reported in the literature in individuals affected with CHD2-related conditions. In summary, the available evidence is currently insufficient to determine the role of this variant in disease. Therefore, it has been classified as a Variant of Uncertain Significance. Advanced modeling of protein sequence and biophysical properties (such as structural, functional, and spatial information, amino acid conservation, physicochemical variation, residue mobility, and thermodynamic stability) performed at Invitae indicates that this missense variant is not expected to disrupt CHD2 protein function. ClinVar contains an entry for this variant (Variation ID: 1055021).

GeneDx
Classification: Uncertain significance. Last evaluated: 2020-06-29. Review status: criteria provided, single submitter. Criteria: GeneDx Variant Classification Process June 2021. Collection method: clinical testing. Allele origin: germline. Affected: yes.
Comment: Not observed in large population cohorts (Lek et al., 2016); In silico analysis supports that this missense variant does not alter protein structure/function; Has not been previously published as pathogenic or benign to our knowledge

NM_001271.4(CHD2):c.4573C>G (p.His1525Asp)

Gene: CHD2 (chromodomain helicase DNA binding protein 2; plus strand). Cytogenetic location: 15q26.1.
Variant type: single nucleotide variant.
Coding change: c.4573C>G on transcript NM_001271.4 (MANE Select); coding-DNA position 4573, C replaced by G.
Protein change: p.His1525Asp; replaces histidine 1525 with aspartic acid.
Molecular consequence: missense variant.
Genome position (GRCh38, 1-based): chr15:93,009,304, C>G. VCF-style: chr15-93009304-C-G. GRCh37 (hg19) VCF-style: chr15-93552534-C-G.
Other names: short protein forms H1525D.
Identifiers: ClinVar variation 1055021 (VCV001055021.14), dbSNP rs2141881675, ClinGen allele CA393904686.